The following is an entry in ClinVar:

ClinVar aggregate classification (germline): Uncertain significance (1 of 4 stars; one submission).

Conditions:
Facioscapulohumeral muscular dystrophy 2 (FSHD2). Also called: MUSCULAR DYSTROPHY, FACIOSCAPULOHUMERAL, TYPE 1B; FACIOSCAPULOHUMERAL MUSCULAR DYSTROPHY 2, DIGENIC; FSHD2, DIGENIC. Identifiers: Orphanet 269, MedGen C1834671, MONDO:0008031, OMIM 158901.

Submission:

Labcorp Genetics (formerly Invitae), Labcorp
Classification: Uncertain significance for Facioscapulohumeral muscular dystrophy 2. Last evaluated: 2023-12-23. Review status: criteria provided, single submitter. Criteria: Invitae Variant Classification Sherloc (09022015). Collection method: clinical testing. Allele origin: germline.
Comment: This sequence change replaces isoleucine, which is neutral and non-polar, with valine, which is neutral and non-polar, at codon 167 of the SMCHD1 protein (p.Ile167Val). This variant is not present in population databases (gnomAD no frequency). This variant has not been reported in the literature in individuals affected with SMCHD1-related conditions. Advanced modeling of protein sequence and biophysical properties (such as structural, functional, and spatial information, amino acid conservation, physicochemical variation, residue mobility, and thermodynamic stability) performed at Invitae indicates that this missense variant is not expected to disrupt SMCHD1 protein function with a negative predictive value of 80%. In summary, the available evidence is currently insufficient to determine the role of this variant in disease. Therefore, it has been classified as a Variant of Uncertain Significance.

NM_015295.3(SMCHD1):c.499A>G (p.Ile167Val)

Gene: SMCHD1 (structural maintenance of chromosomes flexible hinge domain containing 1; plus strand). Cytogenetic location: 18p11.32.
Variant type: single nucleotide variant.
Coding change: c.499A>G on transcript NM_015295.3 (MANE Select); coding-DNA position 499, A replaced by G.
Protein change: p.Ile167Val; replaces isoleucine 167 with valine.
Molecular consequence: missense variant.
Genome position (GRCh38, 1-based): chr18:2,673,355, A>G. VCF-style: chr18-2673355-A-G. GRCh37 (hg19) VCF-style: chr18-2673354-A-G.
Other names: short protein forms I167V.
Identifiers: ClinVar variation 2705013 (VCV002705013.3), dbSNP rs2073662169, ClinGen allele CA401689359.